The following is an entry in ClinVar:

NM_001385012.1(NBEA):c.4405C>T (p.Arg1469Ter)

Gene: NBEA (neurobeachin; plus strand). Cytogenetic location: 13q13.3.
Variant type: single nucleotide variant.
Coding change: c.4405C>T on transcript NM_001385012.1 (MANE Select); coding-DNA position 4405, C replaced by T.
Protein change: p.Arg1469Ter; replaces arginine 1469 with a stop codon.
Molecular consequence: nonsense.
Genome position (GRCh38, 1-based): chr13:35,171,434, C>T. VCF-style: chr13-35171434-C-T. GRCh37 (hg19) VCF-style: chr13-35745571-C-T.
Other names: c.4396C>T, p.Arg1466Ter (NM_001379245.1); c.4405C>T, p.Arg1469Ter (NM_015678.5); short protein forms R1466*, R1469*.
Identifiers: ClinVar variation 3769947 (VCV003769947.2).

ClinVar aggregate classification (germline): Uncertain significance (1 of 4 stars; one submission).

gnomAD v4.1: 1 of 1,610,214 alleles (0.000062%); highest among the groups gnomAD compares: Non-Finnish European, 0.000085%; no homozygotes.

Submission:

GeneDx
Classification: Uncertain significance. Last evaluated: 2026-04-20. Review status: criteria provided, single submitter. Criteria: GeneDx Variant Classification Process June 2021. Collection method: clinical testing. Allele origin: germline.
Comment: Nonsense variant predicted to result in protein truncation or nonsense mediated decay in a gene for which loss of function is a known mechanism of disease; Has not been previously published as pathogenic or benign to our knowledge